The following is an entry in ClinVar:

NM_020778.4:c.298C>A

Gene: ALPK3 (alpha kinase 3; plus strand).
Variant type: single nucleotide variant.
Identifiers: ClinVar variation 4089142 (VCV004089142.1).

ClinVar aggregate classification (germline): Uncertain significance (1 of 4 stars; one submission).

Conditions:
Cardiovascular phenotype. Identifiers: MedGen CN230736.

Submission:

Ambry Genetics
Classification: Uncertain significance for Cardiovascular phenotype. Last evaluated: 2025-08-20. Review status: criteria provided, single submitter. Criteria: Ambry Variant Classification Scheme 2023. Collection method: clinical testing. Allele origin: germline.
Comment: The p.P100T variant (also known as c.298C>A), located in coding exon 1 of the ALPK3 gene, results from a C to A substitution at nucleotide position 298. The proline at codon 100 is replaced by threonine, an amino acid with highly similar properties. This amino acid position is conserved. In addition, this alteration is predicted to be tolerated by in silico analysis. Based on the available evidence, the clinical significance of this variant remains unclear.